The following is an entry in ClinVar:

ClinVar aggregate classification (germline): Conflicting classifications of pathogenicity. Review status: criteria provided, conflicting classifications (1 of 4 stars). 12 submissions from 12 submitters: Pathogenic (3); Likely pathogenic (5); Uncertain significance (3). 1 of the submissions does not count toward it. Last evaluated 2026-06-01.

Conditions:
Muscle AMP deaminase deficiency (MMDD). Also called: Myoadenylate deaminase deficiency, myopathy due to; Adenosine monophosphate deaminase 1 deficiency; AMP deaminase 1 deficiency; Adenosine Monophosphate Deaminase 1; ADENOSINE MONOPHOSPHATE DEAMINASE-1 DEFICIENCY, MYOPATHY DUE TO; AMPD1 DEFICIENCY. Identifiers: Orphanet 45, MedGen C3714933, MONDO:0014220, OMIM 615511.

Allele frequency attached by ClinVar (database versions not stated): ExAC 0.00044; gnomAD exomes 0.00054 and 0.00077; ESP Exome Variant Server 0.00062; TOPMed 0.00083; gnomAD 0.00091 and 0.00096.
gnomAD v4.1: 1,254 of 1,613,960 alleles (0.078%); highest among the groups gnomAD compares: Admixed American, 0.14%; no homozygotes.

Submissions (12):

CeGaT Center for Human Genetics Tuebingen
Classification: Pathogenic. Last evaluated: 2026-06-01. Review status: criteria provided, single submitter. Criteria: CeGaT Center For Human Genetics Tuebingen Variant Classification Criteria Version 2. Collection method: clinical testing. Allele origin: germline. Affected: yes. Observed: 5 variant alleles.
Comment: AMPD1: PM3:Very Strong, PM2, PS3:Supporting

Dasa
Classification: Pathogenic. Last evaluated: 2025-04-10. Review status: criteria provided, single submitter. Criteria: DASA Assertion Criteria. Collection method: clinical testing. Allele origin: germline.
Comment: NM_000036.3(AMPD1):c.468G>T (p.Gln156His) is a missense variant that results in the substitution of glutamine with histidine. Segregation evidence has been reported in affected families. This variant has been observed in affected individuals with related phenotype in a genotype context consistent with recessive disease (PMID: 12117480; PMID: 19353846; PMID: 29095874). Functional evidence supports a deleterious effect on the gene or gene product (PMID: 12117480; PMID: 19353846; PMID: 29095874). This variant has been recurrently observed in individuals with related phenotype (PMID: 12117480; PMID: 19353846; PMID: 29095874). Multiple computational predictions support a deleterious effect on the gene or gene product. The variant is present at low frequency in population datasets. Based on the available data, this variant is classified as pathogenic.

Women's Health and Genetics/Laboratory Corporation of America, LabCorp
Classification: Pathogenic for Muscle AMP deaminase deficiency. Last evaluated: 2024-11-27. Review status: criteria provided, single submitter. Criteria: LabCorp Variant Classification Summary - May 2015. Collection method: clinical testing. Allele origin: germline.
Comment: Variant summary: AMPD1 c.468G>T (p.Gln156His) results in a non-conservative amino acid change located in the AMP deaminase domain (IPR006329) of the encoded protein sequence. Three of five in-silico tools predict a benign effect of the variant on protein function. The variant allele was found at a frequency of 0.00054 in 251484 control chromosomes. This frequency is not significantly higher than estimated for a pathogenic variant in AMPD1 causing Muscle AMP Deaminase Deficiency, allowing no conclusion about variant significance. c.468G>T has been reported in the literature in multiple individuals affected with Muscle AMP Deaminase Deficiency (example, Gross_2002). These data indicate that the variant is very likely to be associated with disease. At least one publication reports experimental evidence evaluating an impact on protein function. The most pronounced variant effect results in <10% of normal enzymatic activity in vitro (Gross_2002). The following publication has been ascertained in the context of this evaluation (PMID: 12117480). ClinVar contains an entry for this variant (Variation ID: 197620). Based on the evidence outlined above, the variant was classified as pathogenic.

Blueprint Genetics
Classification: Uncertain significance. Last evaluated: 2024-11-19. Review status: criteria provided, single submitter. Criteria: ACMG Guidelines, 2015. Collection method: clinical testing. Allele origin: germline.

Revvity Omics, Revvity
Classification: Likely pathogenic for Muscle AMP deaminase deficiency. Last evaluated: 2024-09-17. Review status: criteria provided, single submitter. Criteria: ACMG Guidelines, 2015. Collection method: clinical testing. Allele origin: germline.

Labcorp Genetics (formerly Invitae), Labcorp
Classification: Uncertain significance for Muscle AMP deaminase deficiency. Last evaluated: 2024-01-29. Review status: criteria provided, single submitter. Criteria: Invitae Variant Classification Sherloc (09022015). Collection method: clinical testing. Allele origin: germline.
Comment: This sequence change replaces glutamine, which is neutral and polar, with histidine, which is basic and polar, at codon 189 of the AMPD1 protein (p.Gln189His). This variant is present in population databases (rs139582106, gnomAD 0.09%), and has an allele count higher than expected for a pathogenic variant. This missense change has been observed in individual(s) with myoadenylate deaminase deficiency (PMID: 12117480, 19353846, 29095874). This variant is also known as G468T (Q156H). ClinVar contains an entry for this variant (Variation ID: 197620). An algorithm developed to predict the effect of missense changes on protein structure and function (PolyPhen-2) suggests that this variant is likely to be disruptive. Experimental studies have shown that this missense change affects AMPD1 function (PMID: 12117480). In summary, the available evidence is currently insufficient to determine the role of this variant in disease. Therefore, it has been classified as a Variant of Uncertain Significance.

GeneDx
Classification: Uncertain significance. Last evaluated: 2023-01-19. Review status: criteria provided, single submitter. Criteria: GeneDx Variant Classification Process June 2021. Collection method: clinical testing. Allele origin: germline. Affected: yes.
Comment: Reported previously (as Q156H due to alternate nomenclature) in multiple individuals with MADA deficiency and myopathy who were compound heterozygous for the Q189H variant and the most common AMPD1 variant, Q45X (Gross et al., 2002; Neroldova et al., 2016; Rannou et al., 2017); Published functional studies demonstrate altered enzyme activity (Gross et al., 2002); In silico analysis supports that this missense variant does not alter protein structure/function; This variant is associated with the following publications: (PMID: 27296017, 12117480, 29095874, 34426522, 31980526, 32483371, 34269512)

Institute of Medical Genetics and Applied Genomics, University Hospital Tübingen
Classification: Likely pathogenic. Last evaluated: 2020-10-23. Review status: criteria provided, single submitter. Criteria: ACMG Guidelines, 2015. Collection method: clinical testing. Allele origin: germline. Inheritance: Autosomal recessive inheritance. Affected: yes.

Centre for Mendelian Genomics, University Medical Centre Ljubljana
Classification: Likely pathogenic for Muscle AMP deaminase deficiency. Last evaluated: 2020-03-24. Review status: criteria provided, single submitter. Criteria: ACMG Guidelines, 2015. Collection method: clinical testing. Allele origin: unknown. Affected: yes.
Comment: This variant was classified as: Likely pathogenic. The following ACMG criteria were applied in classifying this variant: PS3,PS4_MOD,PM2.

Fulgent Genetics
Classification: Likely pathogenic for Muscle AMP deaminase deficiency. Last evaluated: 2018-10-31. Review status: criteria provided, single submitter. Criteria: ACMG Guidelines, 2015. Collection method: clinical testing. Allele origin: unknown.

Eurofins Ntd Llc (ga)
Classification: Likely pathogenic. Last evaluated: 2015-04-07. Review status: criteria provided, single submitter. Criteria: EGL Classification Definitions 2015. Collection method: clinical testing. Allele origin: germline. Observed: 1 variant allele, 1 heterozygote.

Department of Pathology and Laboratory Medicine, Sinai Health System
Classification: Likely pathogenic. Review status: no assertion criteria provided. Collection method: clinical testing. Allele origin: unknown. Affected: yes. Study: The Canadian Open Genetics Repository (COGR). Not counted in ClinVar's aggregate classification.
Comment: The AMPD1 p.Q189H variant was identified in the literature as a compound heterozygous variant in 10 individuals with myoadenylate deaminase deficiency (Gross_2002_PMID_12117480). The variant was identified in dbSNP (ID: rs139582106) and ClinVar (classified as likely pathogenic by EGL Genetic Diagnostics, Fulgent Genetics and GeneDx; classified as uncertain significance by Invitae). The variant was identified in control databases in 147 of 282856 chromosomes at a frequency of 0.0005197 (Genome Aggregation Database March 6, 2019, v2.1.1). The variant was observed in the following populations: European (non-Finnish) in 115 of 129180 chromosomes (freq: 0.00089), Latino in 25 of 35440 chromosomes (freq: 0.000705), Other in 3 of 7226 chromosomes (freq: 0.000415), African in 2 of 24958 chromosomes (freq: 0.00008) and European (Finnish) in 2 of 25120 chromosomes (freq: 0.00008), but was not observed in the Ashkenazi Jewish, East Asian, or South Asian populations. The p.Q189 residue is conserved in mammals and computational analyses (PolyPhen-2, SIFT, AlignGVGD, BLOSUM, MutationTaster) provide inconsistent predictions regarding the impact to the protein; this information is not very predictive of pathogenicity. The variant occurs outside of the splicing consensus sequence and in silico or computational prediction software programs (SpliceSiteFinder, MaxEntScan, NNSPLICE, GeneSplicer) do not predict a difference in splicing. Functional studies have demonstrated altered enzymatic activity from the p.Q189H variant compared to wildtype (Gross_2002_PMID_12117480). In summary, based on the above information the clinical significance of this variant cannot be determined with certainty at this time although we would lean towards a more pathogenic role for this variant. This variant is classified as likely pathogenic.

Literature cited by the submitters: PubMed 12117480 (cited by 3 submitters); PubMed 19353846 (cited by Dasa and Labcorp Genetics (formerly Invitae), Labcorp); PubMed 29095874 (cited by Dasa and Labcorp Genetics (formerly Invitae), Labcorp).

NM_000036.3(AMPD1):c.468G>T (p.Gln156His)

Gene: AMPD1 (adenosine monophosphate deaminase 1; minus strand). Cytogenetic location: 1p13.2.
Variant type: single nucleotide variant.
Coding change: c.468G>T on transcript NM_000036.3 (MANE Select); coding-DNA position 468, G replaced by T.
Protein change: p.Gln156His; replaces glutamine 156 with histidine.
Molecular consequence: missense variant.
Genome position (GRCh38, 1-based): chr1:114,684,278, C>A on the plus strand (G>T on the coding strand, the complement: AMPD1 is on the minus strand). VCF-style: chr1-114684278-C-A. GRCh37 (hg19) VCF-style: chr1-115226899-C-A.
Other names: c.456G>T, p.Gln152His (NM_001172626.2); short protein forms Q189H, Q152H, Q156H.
Identifiers: ClinVar variation 197620 (VCV000197620.66), dbSNP rs139582106, ClinGen allele CA202973.